The following is an entry in ClinVar:

NM_015404.4(WHRN):c.44C>T (p.Thr15Ile)

Gene: WHRN (whirlin; minus strand). Cytogenetic location: 9q32.
Variant type: single nucleotide variant.
Coding change: c.44C>T on transcript NM_015404.4 (MANE Select); coding-DNA position 44, C replaced by T.
Protein change: p.Thr15Ile; replaces threonine 15 with isoleucine.
Molecular consequence: missense variant.
Genome position (GRCh38, 1-based): chr9:114,504,758, G>A on the plus strand (C>T on the coding strand, the complement: WHRN is on the minus strand). VCF-style: chr9-114504758-G-A. GRCh37 (hg19) VCF-style: chr9-117267038-G-A.
Other names: c.44C>T, p.Thr15Ile (NM_001173425.2); short protein forms T15I.
Identifiers: ClinVar variation 163057 (VCV000163057.12), dbSNP rs727502957, ClinGen allele CA175647.

ClinVar aggregate classification (germline): Uncertain significance. Review status: criteria provided, multiple submitters, no conflicts (2 of 4 stars). 3 submissions from 3 submitters: Uncertain significance (3). Last evaluated 2021-11-17.

Allele frequency attached by ClinVar (database versions not stated): TOPMed below 0.00001; gnomAD exomes 0.00001 and 0.00003; ExAC 0.00027.
gnomAD v4.1: 22 of 1,505,864 alleles (0.0015%); highest among the groups gnomAD compares: South Asian, 0.02%; no homozygotes.

Submissions (3):

Labcorp Genetics (formerly Invitae), Labcorp
Classification: Uncertain significance. Last evaluated: 2021-11-17. Review status: criteria provided, single submitter. Criteria: Invitae Variant Classification Sherloc (09022015). Collection method: clinical testing. Allele origin: germline.
Comment: In summary, the available evidence is currently insufficient to determine the role of this variant in disease. Therefore, it has been classified as a Variant of Uncertain Significance. Algorithms developed to predict the effect of missense changes on protein structure and function are either unavailable or do not agree on the potential impact of this missense change (SIFT: "Deleterious"; PolyPhen-2: "Probably Damaging"; Align-GVGD: "Class C0"). ClinVar contains an entry for this variant (Variation ID: 163057). This variant has not been reported in the literature in individuals affected with WHRN-related conditions. The frequency data for this variant in the population databases is considered unreliable, as metrics indicate poor data quality at this position in the gnomAD database. This sequence change replaces threonine, which is neutral and polar, with isoleucine, which is neutral and non-polar, at codon 15 of the WHRN protein (p.Thr15Ile).

Blueprint Genetics
Classification: Uncertain significance. Last evaluated: 2018-12-30. Review status: criteria provided, single submitter. Criteria: ACMG Guidelines, 2015. Collection method: clinical testing. Allele origin: germline.

Laboratory for Molecular Medicine, Mass General Brigham Personalized Medicine
Classification: Uncertain significance. Last evaluated: 2013-05-07. Review status: criteria provided, single submitter. Criteria: LMM Criteria. Collection method: clinical testing. Allele origin: germline. Observed: 1 variant allele.
Comment: Variant classified as Uncertain Significance - Favor Benign. The Thr15Ile varian t in DFNB31 has not been reported in the literature nor previously identified by our laboratory. Computational analyses (biochemical amino acid properties, cons ervation, AlignGVGD, PolyPhen2, and SIFT) do not provide strong support for or a gainst an impact to the protein. In summary, additional data is needed to determ ine the clinical significance of this variant.